The following is an entry in ClinVar:

NM_001378454.1(ALMS1):c.10384+6G>A

Gene: ALMS1 (ALMS1 centrosome and basal body associated protein; plus strand). Cytogenetic location: 2p13.1.
Variant type: single nucleotide variant.
Coding change: c.10384+6G>A on transcript NM_001378454.1 (MANE Select); 6 bases into the intron after coding-DNA position 10384, G replaced by A.
Molecular consequence: intron variant.
Genome position (GRCh38, 1-based): chr2:73,559,148, G>A. VCF-style: chr2-73559148-G-A. GRCh37 (hg19) VCF-style: chr2-73786275-G-A.
Other names: c.10384+6G>A (NM_015120.4).
Identifiers: ClinVar variation 1424249 (VCV001424249.3), dbSNP rs1343830351, ClinGen allele CA892819964.
Genomic context (GRCh38, chr2:73,559,148, plus strand): 5'-GTTCCCGAGGAAGCCTGGCCAAACAATAAAGAATCCCTACAGATCAATATTGAAGGTAAT[G>A]GGATTGGGTTGTGTATGAGTGTGTGTGTCTTTGTGTGTATGTGAGGGTCAGTGTTAGTGT-3'

ClinVar aggregate classification (germline): Uncertain significance (1 of 4 stars; one submission).

Conditions:
Alstrom syndrome (ALMS). Identifiers: Orphanet 64, MedGen C0268425, MONDO:0008763, OMIM 203800.

Allele frequency attached by ClinVar (database versions not stated): TOPMed below 0.00001; gnomAD 0.00001.

Submission:

Labcorp Genetics (formerly Invitae), Labcorp
Classification: Uncertain significance for Alstrom syndrome. Last evaluated: 2021-07-21. Review status: criteria provided, single submitter. Criteria: Invitae Variant Classification Sherloc (09022015). Collection method: clinical testing. Allele origin: germline.
Comment: This sequence change falls in intron 15 of the ALMS1 gene. It does not directly change the encoded amino acid sequence of the ALMS1 protein. It affects a nucleotide within the consensus splice site of the intron. This variant is not present in population databases (ExAC no frequency). This variant has not been reported in the literature in individuals affected with ALMS1-related conditions. Nucleotide substitutions within the consensus splice site are a relatively common cause of aberrant splicing (PMID: 17576681, 9536098). Algorithms developed to predict the effect of sequence changes on RNA splicing suggest that this variant is not likely to affect RNA splicing. In summary, the available evidence is currently insufficient to determine the role of this variant in disease. Therefore, it has been classified as a Variant of Uncertain Significance.

Literature cited by the submitters: PubMed 17576681; PubMed 9536098.